The following is an entry in ClinVar:

NM_002788.4(PSMA3):c.136G>A (p.Val46Ile)

Gene: PSMA3 (proteasome 20S subunit alpha 3; plus strand). Cytogenetic location: 14q23.1.
Variant type: single nucleotide variant.
Coding change: c.136G>A on transcript NM_002788.4 (MANE Select); coding-DNA position 136, G replaced by A.
Protein change: p.Val46Ile; replaces valine 46 with isoleucine.
Molecular consequence: missense variant. On other transcripts: non-coding transcript variant (1).
Genome position (GRCh38, 1-based): chr14:58,252,150, G>A. VCF-style: chr14-58252150-G-A. GRCh37 (hg19) VCF-style: chr14-58718868-G-A.
Other names: c.136G>A, p.Val46Ile (NM_152132.3); short protein forms V46I.
Identifiers: ClinVar variation 4725889 (VCV004725889.1).

ClinVar aggregate classification (germline): Uncertain significance (1 of 4 stars; one submission).

Submission:

Labcorp Genetics (formerly Invitae), Labcorp
Classification: Uncertain significance. Last evaluated: 2025-09-04. Review status: criteria provided, single submitter. Criteria: Invitae Variant Classification Sherloc (09022015). Collection method: clinical testing. Allele origin: germline.
Comment: This sequence change replaces valine, which is neutral and non-polar, with isoleucine, which is neutral and non-polar, at codon 46 of the PSMA3 protein (p.Val46Ile). This variant is not present in population databases (gnomAD no frequency). This variant has not been reported in the literature in individuals affected with PSMA3-related conditions. An algorithm developed to predict the effect of missense changes on protein structure and function (PolyPhen-2) suggests that this variant is likely to be tolerated. In summary, the available evidence is currently insufficient to determine the role of this variant in disease. Therefore, it has been classified as a Variant of Uncertain Significance.